The following is an entry in ClinVar:

NM_018013.4(SOBP):c.2260C>T (p.Pro754Ser)

Gene: SOBP (sine oculis binding protein homolog; plus strand). Cytogenetic location: 6q21.
Variant type: single nucleotide variant.
Coding change: c.2260C>T on transcript NM_018013.4 (MANE Select); coding-DNA position 2260, C replaced by T.
Protein change: p.Pro754Ser; replaces proline 754 with serine.
Molecular consequence: missense variant.
Genome position (GRCh38, 1-based): chr6:107,635,104, C>T. VCF-style: chr6-107635104-C-T. GRCh37 (hg19) VCF-style: chr6-107956308-C-T.
Other names: short protein forms P754S.
Identifiers: ClinVar variation 2355292 (VCV002355292.27), dbSNP rs199834185, ClinGen allele CA3946635.

ClinVar aggregate classification (germline): Uncertain significance. Review status: criteria provided, multiple submitters, no conflicts (2 of 4 stars). 3 submissions from 3 submitters: Uncertain significance (2). 1 of the submissions does not count toward it. Last evaluated 2023-01-01.

Conditions:
SOBP-related disorder. Also called: SOBP-related condition.

Allele frequency attached by ClinVar (database versions not stated): gnomAD 0.00029; TOPMed 0.00033; ExAC 0.00043.
gnomAD v4.1: 326 of 1,608,350 alleles (0.02%); highest among the groups gnomAD compares: Non-Finnish European, 0.0042%; 3 homozygotes.

Submissions (3):

CeGaT Center for Human Genetics Tuebingen
Classification: Uncertain significance. Last evaluated: 2023-01-01. Review status: criteria provided, single submitter. Criteria: CeGaT Center For Human Genetics Tuebingen Variant Classification Criteria Version 2. Collection method: clinical testing. Allele origin: germline. Affected: yes. Observed: 2 variant alleles.

Ambry Genetics
Classification: Uncertain significance. Last evaluated: 2021-08-10. Review status: criteria provided, single submitter. Criteria: Ambry Variant Classification Scheme 2023. Collection method: clinical testing. Allele origin: germline.

PreventionGenetics, part of Exact Sciences
Classification: Benign for SOBP-related condition. Last evaluated: 2019-07-31. Review status: no assertion criteria provided. Collection method: clinical testing. Allele origin: germline. Not counted in ClinVar's aggregate classification.
Comment: This variant is classified as benign based on ACMG/AMP sequence variant interpretation guidelines (Richards et al. 2015 PMID: 25741868, with internal and published modifications).